The following is an entry in ClinVar:

ClinVar aggregate classification (germline): Uncertain significance (1 of 4 stars; one submission).

Conditions:
X-linked myopathy with excessive autophagy (AVM). Also called: Vacuolar myopathy; Autophagic vacuolar myopathy. Identifiers: Orphanet 25980, MedGen C1839615, MONDO:0010684, OMIM 310440.

Allele frequency attached by ClinVar (database versions not stated): gnomAD exomes below 0.00001.
gnomAD v4.1: 1 of 1,162,435 alleles (0.000086%); highest among the groups gnomAD compares: Non-Finnish European, 0.00011%; no homozygotes.

Submission:

Labcorp Genetics (formerly Invitae), Labcorp
Classification: Uncertain significance for X-linked myopathy with excessive autophagy. Last evaluated: 2025-05-09. Review status: criteria provided, single submitter. Criteria: Invitae Variant Classification Sherloc (09022015). Collection method: clinical testing. Allele origin: germline.
Comment: This sequence change replaces alanine, which is neutral and non-polar, with valine, which is neutral and non-polar, at codon 8 of the VMA21 protein (p.Ala8Val). This variant is not present in population databases (gnomAD no frequency). This variant has not been reported in the literature in individuals affected with VMA21-related conditions. ClinVar contains an entry for this variant (Variation ID: 533403). An algorithm developed to predict the effect of missense changes on protein structure and function (PolyPhen-2) suggests that this variant is likely to be tolerated. In summary, the available evidence is currently insufficient to determine the role of this variant in disease. Therefore, it has been classified as a Variant of Uncertain Significance.

NM_001017980.4(VMA21):c.23C>T (p.Ala8Val)

Gene: VMA21 (vacuolar ATPase assembly factor VMA21; plus strand). Cytogenetic location: Xq28.
Variant type: single nucleotide variant.
Coding change: c.23C>T on transcript NM_001017980.4 (MANE Select); coding-DNA position 23, C replaced by T.
Protein change: p.Ala8Val; replaces alanine 8 with valine.
Molecular consequence: missense variant. On other transcripts: intron variant (1).
Genome position (GRCh38, 1-based): chrX:151,397,331, C>T. VCF-style: chrX-151397331-C-T. GRCh37 (hg19) VCF-style: chrX-150565803-C-T.
Other names: c.218+274C>T (NM_001363810.1); short protein forms A8V.
Identifiers: ClinVar variation 533403 (VCV000533403.8), dbSNP rs1556034337, ClinGen allele CA415270788.